The following is an entry in ClinVar:

NM_015488.5(PNKD):c.663C>G (p.Ile221Met)

Genes: CATIP-AS2 (CATIP antisense RNA 2; minus strand), PNKD (PNKD metallo-beta-lactamase domain containing; plus strand). Cytogenetic location: 2q35.
Variant type: single nucleotide variant.
Coding change: c.663C>G on transcript NM_015488.5 (MANE Select); coding-DNA position 663, C replaced by G.
Protein change: p.Ile221Met; replaces isoleucine 221 with methionine.
Molecular consequence: missense variant.
Genome position (GRCh38, 1-based): chr2:218,342,026, C>G. VCF-style: chr2-218342026-C-G. GRCh37 (hg19) VCF-style: chr2-219206749-C-G.
Other names: c.591C>G, p.Ile197Met (NM_022572.5); short protein forms I221M, I197M.
Identifiers: ClinVar variation 536508 (VCV000536508.11), dbSNP rs749437540, ClinGen allele CA2104057.

ClinVar aggregate classification (germline): Likely benign. Review status: criteria provided, single submitter (1 of 4 stars). 2 submissions from 2 submitters: Likely benign (1). 1 of the submissions does not count toward it. Last evaluated 2025-03-03.

Conditions:
Paroxysmal nonkinesigenic dyskinesia. Also called: Paroxysmal non-kinesigenic dyskinesia. Identifiers: Orphanet 98810, MedGen C1869117, MONDO:0700088.

Allele frequency attached by ClinVar (database versions not stated): ExAC 0.00031; gnomAD below 0.00001 and 0.00003; TOPMed 0.00002; gnomAD exomes 0.00027.

Submissions (2):

Labcorp Genetics (formerly Invitae), Labcorp
Classification: Likely benign for Paroxysmal nonkinesigenic dyskinesia. Last evaluated: 2025-03-03. Review status: criteria provided, single submitter. Criteria: Invitae Variant Classification Sherloc (09022015). Collection method: clinical testing. Allele origin: germline.

Department of Pathology and Laboratory Medicine, Sinai Health System
Classification: Likely benign. Review status: no assertion criteria provided. Collection method: clinical testing. Allele origin: unknown. Affected: yes. Study: The Canadian Open Genetics Repository (COGR). Not counted in ClinVar's aggregate classification.
Comment: The PNKD p.Ile221Met variant was not identified in the literature but was identified in dbSNP (ID: rs749437540) and ClinVar (classified as likely benign by Invitae). The variant was identified in control databases in 67 of 251422 chromosomes (1 homozygous) at a frequency of 0.0002665 (Genome Aggregation Database March 6, 2019, v2.1.1). The variant was observed in the following populations: South Asian in 62 of 30616 chromosomes (freq: 0.002025), Other in 1 of 6138 chromosomes (freq: 0.000163), East Asian in 1 of 18392 chromosomes (freq: 0.000054), Latino in 1 of 34590 chromosomes (freq: 0.000029) and European (non-Finnish) in 2 of 113708 chromosomes (freq: 0.000018), but was not observed in the African, Ashkenazi Jewish, or European (Finnish) populations. The p.Ile221 residue is conserved in mammals and computational analyses (PolyPhen-2, SIFT, AlignGVGD, BLOSUM, MutationTaster) provide inconsistent predictions regarding the impact to the protein; this information is not very predictive of pathogenicity. The variant occurs outside of the splicing consensus sequence and in silico or computational prediction software programs (SpliceSiteFinder, MaxEntScan, NNSPLICE, GeneSplicer) do not predict a difference in splicing. In summary, based on the above information the clinical significance of this variant cannot be determined with certainty at this time although we would lean towards a more benign role for this variant. This variant is classified as likely benign.